The following is an entry in ClinVar:

ClinVar aggregate classification (germline): Uncertain significance (1 of 4 stars; one submission).

Conditions:
Cardiovascular phenotype. Identifiers: MedGen CN230736.

Submission:

Ambry Genetics
Classification: Uncertain significance for Cardiovascular phenotype. Last evaluated: 2023-07-13. Review status: criteria provided, single submitter. Criteria: Ambry Variant Classification Scheme 2023. Collection method: clinical testing. Allele origin: germline.
Comment: The p.Q1021R variant (also known as c.3062A>G), located in coding exon 16 of the SCN10A gene, results from an A to G substitution at nucleotide position 3062. The glutamine at codon 1021 is replaced by arginine, an amino acid with highly similar properties. This amino acid position is conserved. In addition, this alteration is predicted to be tolerated by in silico analysis. Since supporting evidence is limited at this time, the clinical significance of this alteration remains unclear.

NM_006514.4(SCN10A):c.3062A>G (p.Gln1021Arg)

Genes: SCN10A (sodium voltage-gated channel alpha subunit 10; minus strand), LOC110121288 (VISTA enhancer hs2268; plus strand). Cytogenetic location: 3p22.2.
Variant type: single nucleotide variant.
Coding change: c.3062A>G on transcript NM_006514.4 (MANE Select); coding-DNA position 3062, A replaced by G.
Protein change: p.Gln1021Arg; replaces glutamine 1021 with arginine.
Molecular consequence: missense variant.
Genome position (GRCh38, 1-based): chr3:38,726,631, T>C on the plus strand (A>G on the coding strand, the complement: SCN10A is on the minus strand). VCF-style: chr3-38726631-T-C. GRCh37 (hg19) VCF-style: chr3-38768122-T-C.
Other names: c.3062A>G, p.Gln1021Arg (NM_001293306.2); c.2768A>G, p.Gln923Arg (NM_001293307.2); short protein forms Q923R, Q1021R.
Identifiers: ClinVar variation 2625766 (VCV002625766.2), dbSNP rs2470670448, ClinGen allele CA352157233.